The following is an entry in ClinVar:

NM_001042492.3(NF1):c.6791T>A (p.Ile2264Lys)

Gene: NF1 (neurofibromin 1; plus strand). Cytogenetic location: 17q11.2.
Variant type: single nucleotide variant.
Coding change: c.6791T>A on transcript NM_001042492.3 (MANE Select); coding-DNA position 6791, T replaced by A.
Protein change: p.Ile2264Lys; replaces isoleucine 2264 with lysine.
Molecular consequence: missense variant.
Genome position (GRCh38, 1-based): chr17:31,338,111, T>A. VCF-style: chr17-31338111-T-A. GRCh37 (hg19) VCF-style: chr17-29665129-T-A.
Other names: c.6728T>A, p.Ile2243Lys (NM_000267.4); short protein forms I2243K, I2264K.
Identifiers: ClinVar variation 2708688 (VCV002708688.3), dbSNP rs2151558314, ClinGen allele CA399014162.

ClinVar aggregate classification (germline): Uncertain significance (1 of 4 stars; one submission).

Conditions:
Neurofibromatosis, type 1 (NF1). Also called: Peripheral type neurofibromatosis; VON RECKLINGHAUSEN DISEASE; NEUROFIBROMATOSIS, TYPE I, SOMATIC; Neurofibromatosis, type I. Identifiers: Orphanet 636, MedGen C0027831, MONDO:0018975, OMIM 162200. Disease mechanism: loss of function.

Submission:

Labcorp Genetics (formerly Invitae), Labcorp
Classification: Uncertain significance for Neurofibromatosis, type 1. Last evaluated: 2024-04-08. Review status: criteria provided, single submitter. Criteria: Invitae Variant Classification Sherloc (09022015). Collection method: clinical testing. Allele origin: germline.
Comment: This sequence change replaces isoleucine, which is neutral and non-polar, with lysine, which is basic and polar, at codon 2243 of the NF1 protein (p.Ile2243Lys). This variant is not present in population databases (gnomAD no frequency). This variant has not been reported in the literature in individuals affected with NF1-related conditions. Advanced modeling of protein sequence and biophysical properties (such as structural, functional, and spatial information, amino acid conservation, physicochemical variation, residue mobility, and thermodynamic stability) has been performed at Invitae for this missense variant, however the output from this modeling did not meet the statistical confidence thresholds required to predict the impact of this variant on NF1 protein function. In summary, the available evidence is currently insufficient to determine the role of this variant in disease. Therefore, it has been classified as a Variant of Uncertain Significance.